The following is an entry in ClinVar:

ClinVar aggregate classification (germline): Uncertain significance (1 of 4 stars; one submission).

Conditions:
Infantile spasms. Also called: Infantile spasm. Identifiers: MedGen C3887898, HP:0012469.

gnomAD v4.1: 15 of 1,614,244 alleles (0.00093%); highest among the groups gnomAD compares: Non-Finnish European, 0.0011%; no homozygotes.

Submission:

Labcorp Genetics (formerly Invitae), Labcorp
Classification: Uncertain significance for Infantile spasms. Last evaluated: 2025-01-05. Review status: criteria provided, single submitter. Criteria: Invitae Variant Classification Sherloc (09022015). Collection method: clinical testing. Allele origin: germline.
Comment: This sequence change replaces alanine, which is neutral and non-polar, with valine, which is neutral and non-polar, at codon 541 of the PIK3AP1 protein (p.Ala541Val). This variant is not present in population databases (gnomAD no frequency). This variant has not been reported in the literature in individuals affected with PIK3AP1-related conditions. An algorithm developed to predict the effect of missense changes on protein structure and function outputs the following: PolyPhen-2: "Benign". The valine amino acid residue is found in multiple mammalian species, which suggests that this missense change does not adversely affect protein function. In summary, the available evidence is currently insufficient to determine the role of this variant in disease. Therefore, it has been classified as a Variant of Uncertain Significance.

NM_152309.3(PIK3AP1):c.1622C>T (p.Ala541Val)

Gene: PIK3AP1 (phosphoinositide-3-kinase adaptor protein 1; minus strand). Cytogenetic location: 10q24.1.
Variant type: single nucleotide variant.
Coding change: c.1622C>T on transcript NM_152309.3 (MANE Select); coding-DNA position 1622, C replaced by T.
Protein change: p.Ala541Val; replaces alanine 541 with valine.
Molecular consequence: missense variant.
Genome position (GRCh38, 1-based): chr10:96,626,755, G>A on the plus strand (C>T on the coding strand, the complement: PIK3AP1 is on the minus strand). VCF-style: chr10-96626755-G-A. GRCh37 (hg19) VCF-style: chr10-98386512-G-A.
Other names: short protein forms A541V.
Identifiers: ClinVar variation 3686046 (VCV003686046.2).